The following is an entry in ClinVar:

ClinVar aggregate classification (germline): Likely benign. Review status: criteria provided, multiple submitters, no conflicts (2 of 4 stars). 3 submissions from 3 submitters: Likely benign (3). Last evaluated 2026-04-01.

Conditions:
Benign neonatal seizures. Also called: Benign familial neonatal seizures; Benign familial neonatal epilepsy; Convulsions benign familial neonatal dominant form; Autosomal dominant form of benign neonatal seizures; Benign neonatal familial convulsions. Identifiers: Orphanet 1949, MedGen C0220669, MONDO:0016027.

Allele frequency attached by ClinVar (database versions not stated): gnomAD exomes below 0.00001; TOPMed 0.00001; gnomAD 0.00003.
gnomAD v4.1: 6 of 1,455,304 alleles (0.00041%); highest among the groups gnomAD compares: Non-Finnish European, 0.00054%; no homozygotes.

Submissions (3):

CeGaT Center for Human Genetics Tuebingen
Classification: Likely benign. Last evaluated: 2026-04-01. Review status: criteria provided, single submitter. Criteria: CeGaT Center For Human Genetics Tuebingen Variant Classification Criteria Version 2. Collection method: clinical testing. Allele origin: germline. Affected: yes. Observed: 1 variant allele.
Comment: KCNQ3: BP4, BP7

Labcorp Genetics (formerly Invitae), Labcorp
Classification: Likely benign for Benign neonatal seizures. Last evaluated: 2018-07-31. Review status: criteria provided, single submitter. Criteria: Invitae Variant Classification Sherloc (09022015). Collection method: clinical testing. Allele origin: germline.

GeneDx
Classification: Likely benign. Last evaluated: 2016-04-08. Review status: criteria provided, single submitter. Criteria: GeneDx Variant Classification (06012015). Collection method: clinical testing. Allele origin: germline. Affected: yes.
Comment: This variant is considered likely benign or benign based on one or more of the following criteria: it is a conservative change, it occurs at a poorly conserved position in the protein, it is predicted to be benign by multiple in silico algorithms, and/or has population frequency not consistent with disease.

NM_004519.4(KCNQ3):c.99G>A (p.Ala33=)

Gene: KCNQ3 (potassium voltage-gated channel subfamily Q member 3; minus strand). Cytogenetic location: 8q24.22.
Variant type: single nucleotide variant.
Coding change: c.99G>A on transcript NM_004519.4 (MANE Select); coding-DNA position 99, G replaced by A.
Protein change: p.Ala33=; no amino-acid change (alanine 33 retained).
Molecular consequence: synonymous variant.
Genome position (GRCh38, 1-based): chr8:132,480,434, C>T on the plus strand (G>A on the coding strand, the complement: KCNQ3 is on the minus strand). VCF-style: chr8-132480434-C-T. GRCh37 (hg19) VCF-style: chr8-133492681-C-T.
Identifiers: ClinVar variation 379070 (VCV000379070.9), dbSNP rs1057520485, ClinGen allele CA16605971.